The following is an entry in ClinVar:

NM_000447.3(PSEN2):c.366G>A (p.Thr122=)

Gene: PSEN2 (presenilin 2; plus strand). Cytogenetic location: 1q42.13.
Variant type: single nucleotide variant.
Coding change: c.366G>A on transcript NM_000447.3 (MANE Select); coding-DNA position 366, G replaced by A.
Protein change: p.Thr122=; no amino-acid change (threonine 122 retained).
Molecular consequence: synonymous variant.
Genome position (GRCh38, 1-based): chr1:226,885,547, G>A. VCF-style: chr1-226885547-G-A. GRCh37 (hg19) VCF-style: chr1-227073248-G-A.
Other names: p.Thr122=; c.366G>A, p.Thr122= (NM_012486.3).
Identifiers: ClinVar variation 256182 (VCV000256182.53), dbSNP rs148996705, ClinGen allele CA1424502.
Genomic context (GRCh38, chr1:226,885,547, plus strand): 5'-CTCGAGGAGCAGTCAGGGCCGGGAGCATCAGCCCTTTGCCTTCTCCCTCAGCATCTACAC[G>A]CCATTCACTGAGGACACACCCTCGGTGGGCCAGCGCCTCCTCAACTCCGTGCTGAACACC-3'
Protein context (NP_000438.2, residues 112-132): YTEKNGQLIY[Thr122=]PFTEDTPSVG

ClinVar aggregate classification (germline): Benign/Likely benign. Review status: criteria provided, multiple submitters, no conflicts (2 of 4 stars). 10 submissions from 9 submitters: Benign (4); Likely benign (3). 3 of the submissions do not count toward it. Last evaluated 2026-09-01.

Conditions:
Dilated cardiomyopathy 1V (CMD1V). Identifiers: Orphanet 154, MedGen C3150958, MONDO:0013373, OMIM 613697.
Alzheimer disease 4 (AD4). Identifiers: Orphanet 1020, MedGen C1847200, MONDO:0011743, OMIM 606889.

Allele frequency attached by ClinVar (database versions not stated): 1000 Genomes Project 30x 0.00016; 1000 Genomes Project 0.00020; TOPMed 0.00072; ESP Exome Variant Server 0.00092; gnomAD 0.00092 and 0.00094; gnomAD exomes 0.00102 and 0.00116; ExAC 0.00122.
gnomAD v4.1: 1,824 of 1,613,948 alleles (0.11%); highest among the groups gnomAD compares: Non-Finnish European, 0.13%; 4 homozygotes.

Submissions (10):

CeGaT Center for Human Genetics Tuebingen
Classification: Likely benign. Last evaluated: 2026-09-01. Review status: criteria provided, single submitter. Criteria: CeGaT Center For Human Genetics Tuebingen Variant Classification Criteria Version 2. Collection method: clinical testing. Allele origin: germline. Affected: yes. Observed: 5 variant alleles.
Comment: PSEN2: BP4, BP7

Labcorp Genetics (formerly Invitae), Labcorp
Classification: Benign for Alzheimer disease 4. Last evaluated: 2026-02-01. Review status: criteria provided, single submitter. Criteria: Invitae Variant Classification Sherloc (09022015). Collection method: clinical testing. Allele origin: germline.

Mayo Clinic Laboratories, Mayo Clinic
Classification: Benign. Last evaluated: 2025-10-07. Review status: criteria provided, single submitter. Criteria: ACMG Guidelines, 2015. Collection method: clinical testing. Allele origin: germline. Observed: 3 variant alleles.
Comment: BS1, BS2, BP4, BP7

Blueprint Genetics
Classification: Likely benign. Last evaluated: 2024-11-23. Review status: criteria provided, single submitter. Criteria: ACMG Guidelines, 2015. Collection method: clinical testing. Allele origin: germline.

Illumina Laboratory Services, Illumina
Classification: Benign for Alzheimer disease 4. Last evaluated: 2017-04-27. Review status: criteria provided, single submitter. Criteria: ICSL Variant Classification Criteria 13 December 2019. Collection method: clinical testing. Allele origin: germline.
Comment: This variant was observed as part of a predisposition screen in an ostensibly healthy population. A literature search was performed for the gene, cDNA change, and amino acid change (where applicable). Publications were found based on this search. The evidence from the literature, in combination with allele frequency data from public databases where available, was sufficient to rule this variant out of causing disease. Therefore, this variant is classified as benign.

Illumina Laboratory Services, Illumina
Classification: Benign for Dilated cardiomyopathy 1V. Last evaluated: 2017-04-27. Review status: criteria provided, single submitter. Criteria: ICSL Variant Classification Criteria 13 December 2019. Collection method: clinical testing. Allele origin: germline.
Comment: This variant was observed as part of a predisposition screen in an ostensibly healthy population. A literature search was performed for the gene, cDNA change, and amino acid change (where applicable). No publications were found based on this search. Allele frequency data from public databases was too high to be consistent with this variant causing disease. Therefore, this variant is classified as benign.

PreventionGenetics, part of Exact Sciences
Classification: Likely benign. Review status: criteria provided, single submitter. Criteria: ACMG Guidelines, 2015. Collection method: clinical testing. Allele origin: germline.

Clinical Genetics DNA and cytogenetics Diagnostics Lab, Erasmus MC, Erasmus Medical Center
Classification: Likely benign. Review status: no assertion criteria provided. Collection method: clinical testing. Allele origin: germline. Affected: yes. Study: VKGL Data-share Consensus. Not counted in ClinVar's aggregate classification.

Diagnostic Laboratory, Department of Genetics, University Medical Center Groningen
Classification: Likely benign. Review status: no assertion criteria provided. Collection method: clinical testing. Allele origin: germline. Affected: yes. Study: VKGL Data-share Consensus. Not counted in ClinVar's aggregate classification.

Genome Diagnostics Laboratory, Amsterdam University Medical Center
Classification: Likely benign. Review status: no assertion criteria provided. Collection method: clinical testing. Allele origin: germline. Affected: yes. Study: VKGL Data-share Consensus. Not counted in ClinVar's aggregate classification.

Literature cited by the submitters: PubMed 18667258 (cited by Illumina Laboratory Services, Illumina); PubMed 24844686 (cited by Illumina Laboratory Services, Illumina).